The following is an entry in ClinVar:

ClinVar aggregate classification (germline): Uncertain significance (1 of 4 stars; one submission).

Conditions:
Hereditary cancer-predisposing syndrome. Also called: Neoplastic Syndromes, Hereditary; Tumor predisposition; Hereditary Cancer Syndrome; Hereditary neoplastic syndrome. Identifiers: Orphanet 140162, MedGen C0027672, MeSH D009386, MONDO:0015356.

Submission:

Labcorp Genetics (formerly Invitae), Labcorp
Classification: Uncertain significance for Hereditary cancer-predisposing syndrome. Last evaluated: 2020-02-27. Review status: criteria provided, single submitter. Criteria: Invitae Variant Classification Sherloc (09022015). Collection method: clinical testing. Allele origin: germline.
Comment: This variant has not been reported in the literature in individuals with RAD50-related disease. In summary, the available evidence is currently insufficient to determine the role of this variant in disease. Therefore, it has been classified as a Variant of Uncertain Significance. Algorithms developed to predict the effect of missense changes on protein structure and function (SIFT, PolyPhen-2, Align-GVGD) all suggest that this variant is likely to be tolerated, but these predictions have not been confirmed by published functional studies and their clinical significance is uncertain. This variant is not present in population databases (ExAC no frequency). This sequence change replaces leucine with valine at codon 919 of the RAD50 protein (p.Leu919Val). The leucine residue is moderately conserved and there is a small physicochemical difference between leucine and valine.

NM_005732.4(RAD50):c.2755T>G (p.Leu919Val)

Gene: RAD50 (RAD50 double strand break repair protein; plus strand). Cytogenetic location: 5q31.1.
Variant type: single nucleotide variant.
Coding change: c.2755T>G on transcript NM_005732.4 (MANE Select); coding-DNA position 2755, T replaced by G.
Protein change: p.Leu919Val; replaces leucine 919 with valine.
Molecular consequence: missense variant.
Genome position (GRCh38, 1-based): chr5:132,608,651, T>G. VCF-style: chr5-132608651-T-G. GRCh37 (hg19) VCF-style: chr5-131944343-T-G.
Other names: short protein forms L919V.
Identifiers: ClinVar variation 651021 (VCV000651021.11), dbSNP rs369862952, ClinGen allele CA360958781.